The following is an entry in ClinVar:

ClinVar aggregate classification (germline): Uncertain significance (1 of 4 stars; one submission).

Conditions:
Retinoblastoma (RB1). Also called: RETINOBLASTOMA, SOMATIC. Identifiers: Orphanet 790, MedGen C0035335, MeSH D012175, MONDO:0008380, OMIM 180200, HP:0009919. Disease mechanism: loss of function. Inheritance: Both sporadic and heritable forms are tested..

gnomAD v4.1: 2 of 1,612,378 alleles (0.00012%); highest among the groups gnomAD compares: Non-Finnish European, 0.00017%; no homozygotes.

Submission:

Labcorp Genetics (formerly Invitae), Labcorp
Classification: Uncertain significance for Retinoblastoma. Last evaluated: 2025-03-23. Review status: criteria provided, single submitter. Criteria: Invitae Variant Classification Sherloc (09022015). Collection method: clinical testing. Allele origin: germline.
Comment: This sequence change falls in intron 13 of the RB1 gene. It does not directly change the encoded amino acid sequence of the RB1 protein. It affects a nucleotide within the consensus splice site. The frequency data for this variant in the population databases is considered unreliable, as metrics indicate poor data quality at this position in the gnomAD database. This variant has not been reported in the literature in individuals affected with RB1-related conditions. Variants that disrupt the consensus splice site are a relatively common cause of aberrant splicing (PMID: 17576681, 9536098). Algorithms developed to predict the effect of sequence changes on RNA splicing suggest that this variant is not likely to affect RNA splicing. In summary, the available evidence is currently insufficient to determine the role of this variant in disease. Therefore, it has been classified as a Variant of Uncertain Significance.

Literature cited by the submitters: PubMed 17576681; PubMed 9536098.

NM_000321.3(RB1):c.1333-3T>C

Gene: RB1 (RB transcriptional corepressor 1; plus strand). Cytogenetic location: 13q14.2.
Variant type: single nucleotide variant.
Coding change: c.1333-3T>C on transcript NM_000321.3 (MANE Select); 3 bases into the intron before coding-DNA position 1333, T replaced by C.
Molecular consequence: intron variant.
Genome position (GRCh38, 1-based): chr13:48,379,591, T>C. VCF-style: chr13-48379591-T-C. GRCh37 (hg19) VCF-style: chr13-48953727-T-C.
Other names: c.1333-3T>C (NM_001407165.1, NM_001407166.1).
Identifiers: ClinVar variation 4805133 (VCV004805133.1).
Genomic context (GRCh38, chr13:48,379,591, plus strand): 5'-AAATTTCATAATTGTGATTTTCTAAAATAGCAGGCTCTTATTTTTCTTTTTGTTTGTTTG[T>C]AGCGATACAAACTTGGAGTTCGCTTGTATTACCGAGTAATGGAATCCATGCTTAAATCAG-3'